The following is an entry in ClinVar:

NM_000722.4(CACNA2D1):c.1955+6T>A

Gene: CACNA2D1 (calcium voltage-gated channel auxiliary subunit alpha2delta 1; minus strand). Cytogenetic location: 7q21.11.
Variant type: single nucleotide variant.
Coding change: c.1955+6T>A on transcript NM_000722.4 (MANE Select); 6 bases into the intron after coding-DNA position 1955, T replaced by A.
Molecular consequence: intron variant.
Genome position (GRCh38, 1-based): chr7:81,982,561, A>T on the plus strand (T>A on the coding strand, the complement: CACNA2D1 is on the minus strand). VCF-style: chr7-81982561-A-T. GRCh37 (hg19) VCF-style: chr7-81611877-A-T.
Other names: c.1991+6T>A (NM_001366867.1).
Identifiers: ClinVar variation 1474009 (VCV001474009.6), dbSNP rs770715906, ClinGen allele CA4317815.

ClinVar aggregate classification (germline): Uncertain significance (1 of 4 stars; one submission).

Conditions:
Brugada syndrome. Also called: Sudden unexpected nocturnal death syndrome; Sudden Unexplained Death Syndrome; Sudden Unexplained Nocturnal Death Syndrome (SUNDS); Sudden unexplained nocturnal death syndrome. Identifiers: Orphanet 130, MedGen C1142166, MONDO:0015263.

Allele frequency attached by ClinVar (database versions not stated): gnomAD exomes below 0.00001 and 0.00001; ExAC 0.00001; gnomAD 0.00001.
gnomAD v4.1: 4 of 1,583,378 alleles (0.00025%); highest among the groups gnomAD compares: African/African-American, 0.004%; no homozygotes.

Submission:

Labcorp Genetics (formerly Invitae), Labcorp
Classification: Uncertain significance for Brugada syndrome. Last evaluated: 2022-05-02. Review status: criteria provided, single submitter. Criteria: Invitae Variant Classification Sherloc (09022015). Collection method: clinical testing. Allele origin: germline.
Comment: In summary, the available evidence is currently insufficient to determine the role of this variant in disease. Therefore, it has been classified as a Variant of Uncertain Significance. Variants that disrupt the consensus splice site are a relatively common cause of aberrant splicing (PMID: 17576681, 9536098). Algorithms developed to predict the effect of sequence changes on RNA splicing suggest that this variant is not likely to affect RNA splicing. This variant has not been reported in the literature in individuals affected with CACNA2D1-related conditions. This variant is present in population databases (rs770715906, gnomAD 0.01%). This sequence change falls in intron 24 of the CACNA2D1 gene. It does not directly change the encoded amino acid sequence of the CACNA2D1 protein. It affects a nucleotide within the consensus splice site.

Literature cited by the submitters: PubMed 17576681; PubMed 9536098.